The following is an entry in ClinVar:

NM_004360.5(CDH1):c.1551_1554del (p.Met517fs)

Gene: CDH1 (cadherin 1; plus strand). Cytogenetic location: 16q22.1.
Variant type: Deletion.
Coding change: c.1551_1554del on transcript NM_004360.5 (MANE Select); coding-DNA positions 1551 to 1554, 4 bases deleted (GGAA; older notation c.1551_1554delGGAA).
Protein change: p.Met517fs; shifts the reading frame from methionine 517.
Molecular consequence: frameshift variant. On other transcripts: initiator codon variant (1), 5 prime UTR variant (1).
Genome position (GRCh38, 1-based): chr16:68,815,745-68,815,748, GGAA deleted. VCF-style (leftmost placement, unchanged base first): chr16-68815744-TGGAA-T. GRCh37 (hg19) VCF-style: chr16-68849647-TGGAA-T.
Other names: c.1368_1371del, p.Met456fs (NM_001317184.2); c.3_6del, p.Met1fs (NM_001317185.2); c.-269_-266del (NM_001317186.2); short protein forms M1fs, M456fs, M517fs.
Identifiers: ClinVar variation 2754776 (VCV002754776.3), dbSNP rs2543931474, ClinGen allele CA2697555911.

ClinVar aggregate classification (germline): Pathogenic (1 of 4 stars; one submission).

Conditions:
Hereditary diffuse gastric adenocarcinoma (HDGC). Also called: DIFFUSE GASTRIC AND LOBULAR BREAST CANCER SYNDROME. Identifiers: Orphanet 26106, MedGen C1708349, MONDO:0007648, OMIM 137215.

Submission:

Labcorp Genetics (formerly Invitae), Labcorp
Classification: Pathogenic for Hereditary diffuse gastric adenocarcinoma. Last evaluated: 2024-05-27. Review status: criteria provided, single submitter. Criteria: Invitae Variant Classification Sherloc (09022015). Collection method: clinical testing. Allele origin: germline.
Comment: This sequence change creates a premature translational stop signal (p.Met517Ilefs*4) in the CDH1 gene. It is expected to result in an absent or disrupted protein product. Loss-of-function variants in CDH1 are known to be pathogenic (PMID: 15235021, 20373070). This variant is not present in population databases (gnomAD no frequency). This variant has not been reported in the literature in individuals affected with CDH1-related conditions. For these reasons, this variant has been classified as Pathogenic.

Literature cited by the submitters: PubMed 15235021; PubMed 20373070.